The following is an entry in ClinVar:

NM_016239.4(MYO15A):c.10181C>T (p.Ala3394Val)

Gene: MYO15A (myosin XVA; plus strand). Cytogenetic location: 17p11.2.
Variant type: single nucleotide variant.
Coding change: c.10181C>T on transcript NM_016239.4 (MANE Select); coding-DNA position 10181, C replaced by T.
Protein change: p.Ala3394Val; replaces alanine 3394 with valine.
Molecular consequence: missense variant.
Genome position (GRCh38, 1-based): chr17:18,171,736, C>T. VCF-style: chr17-18171736-C-T. GRCh37 (hg19) VCF-style: chr17-18075050-C-T.
Other names: short protein forms A3394V.
Identifiers: ClinVar variation 228942 (VCV000228942.64), dbSNP rs200249886, ClinGen allele CA8425825.
Genomic context (GRCh38, chr17:18,171,736, plus strand): 5'-GTACAACGGCAGGCTCGACCTGGCTCAACCTGGTCAGCCAGCACCGGCAGCAGACACAGG[C>T]GCTCAGCCCCCACCAGGCCCGTGCCCAGTTTCTGGGTAAGAGCTGCAGGGCAGGGGAGGT-3'
Protein context (NP_057323.3, residues 3384-3404): LVSQHRQQTQ[Ala3394Val]LSPHQARAQF

ClinVar aggregate classification (germline): Conflicting classifications of pathogenicity. Review status: criteria provided, conflicting classifications (1 of 4 stars). 10 submissions from 10 submitters: Uncertain significance (9); Benign (1). Last evaluated 2026-07-23.

Conditions:
MYO15A-related disorder. Also called: MYO15A-related condition.
Autosomal recessive nonsyndromic hearing loss 3. Also called: NEUROSENSORY NONSYNDROMIC RECESSIVE DEAFNESS 3. Identifiers: Orphanet 90636, MedGen C1838263, MONDO:0010860, OMIM 600316.
Hearing impairment. Also called: Impaired Hearing. Identifiers: MedGen C1384666, MONDO:0005365, HP:0000365.

Allele frequency attached by ClinVar (database versions not stated): TOPMed 0.00022; gnomAD 0.00023 and 0.00024; gnomAD exomes 0.00029 and 0.00040; ExAC 0.00030; ESP Exome Variant Server 0.00041.
gnomAD v4.1: 453 of 1,612,256 alleles (0.028%); highest among the groups gnomAD compares: Non-Finnish European, 0.032%; 1 homozygote.

Submissions (10):

PreventionGenetics, part of Exact Sciences
Classification: Uncertain significance for MYO15A-related condition. Last evaluated: 2026-07-23. Review status: criteria provided, single submitter. Criteria: ACMG Guidelines, 2015. Collection method: clinical testing. Allele origin: germline.
Comment: The MYO15A c.10181C>T variant is predicted to result in the amino acid substitution p.Ala3394Val. This variant was reported in an individual with nonsyndromic hearing loss (Table S3, Sloan-Heggen et al. 2016. PubMed ID: 26969326). This variant is reported in 0.23% of alleles in individuals of Ashkenazi Jewish descent in gnomAD, including one homozygote in the larger gnomAD v4.1.1 database. Although we suspect that this variant may be benign, at this time, the clinical significance of this variant is uncertain due to the absence of conclusive functional and genetic evidence.

Labcorp Genetics (formerly Invitae), Labcorp
Classification: Benign. Last evaluated: 2025-12-24. Review status: criteria provided, single submitter. Criteria: Invitae Variant Classification Sherloc (09022015). Collection method: clinical testing. Allele origin: germline.

Women's Health and Genetics/Laboratory Corporation of America, LabCorp
Classification: Uncertain significance. Last evaluated: 2025-12-12. Review status: criteria provided, single submitter. Criteria: LabCorp Variant Classification Summary - May 2015. Collection method: clinical testing. Allele origin: germline.
Comment: Variant summary: MYO15A c.10181C>T (p.Ala3394Val) results in a non-conservative amino acid change in the encoded protein sequence. Algorithms developed to predict the effect of missense changes on protein structure and function all suggest that this variant is likely to be disruptive. The variant allele was found at a frequency of 0.0004 in 245468 control chromosomes (gnomAD). This frequency is not significantly higher than estimated for disease-causing variants in MYO15A, allowing no conclusion about variant significance. c.10181C>T has been observed in a heterozygous individual affected with Nonsyndromic Hearing Loss (Sloan-Heggen_2016). This report does not provide unequivocal conclusions about association of the variant with Autosomal Recessive Nonsyndromic Hearing Loss 3. To our knowledge, no experimental evidence demonstrating an impact on protein function has been reported. ClinVar contains an entry for this variant (Variation ID: 228942). Based on the evidence outlined above, the variant was classified as uncertain significance.

CeGaT Center for Human Genetics Tuebingen
Classification: Uncertain significance. Last evaluated: 2025-10-01. Review status: criteria provided, single submitter. Criteria: CeGaT Center For Human Genetics Tuebingen Variant Classification Criteria Version 2. Collection method: clinical testing. Allele origin: germline. Affected: yes. Observed: 2 variant alleles.
Comment: MYO15A: PP3

Blueprint Genetics
Classification: Uncertain significance. Last evaluated: 2024-11-11. Review status: criteria provided, single submitter. Criteria: ACMG Guidelines, 2015. Collection method: clinical testing. Allele origin: germline.

GeneDx
Classification: Uncertain significance. Last evaluated: 2024-09-26. Review status: criteria provided, single submitter. Criteria: GeneDx Variant Classification Process June 2021. Collection method: clinical testing. Allele origin: germline.
Comment: Reported with a second variant, phase unknown, in an individual with hearing loss in published literature (PMID: 26969326); In silico analysis indicates that this missense variant does not alter protein structure/function; In silico analysis supports that this missense variant has a deleterious effect on protein structure/function; This variant is associated with the following publications: (PMID: 34426522, 26969326)

Department of Otolaryngology – Head & Neck Surgery, Cochlear Implant Center
Classification: Uncertain significance for Hearing impairment. Last evaluated: 2021-04-12. Review status: criteria provided, single submitter. Criteria: ClinGen HL ACMG Specifications v1. Collection method: clinical testing. Allele origin: germline. Affected: yes.
Comment: PS1_Supporting, PM2_Supporting, PP3_Supporting

Baylor Genetics
Classification: Uncertain significance for Autosomal recessive nonsyndromic hearing loss 3. Last evaluated: 2018-08-09. Review status: criteria provided, single submitter. Criteria: ACMG Guidelines, 2015. Collection method: clinical testing. Allele origin: maternal. Affected: yes.
Comment: This variant was determined to be of uncertain significance according to ACMG Guidelines, 2015 [PMID:25741868].

Illumina Laboratory Services, Illumina
Classification: Uncertain significance for Autosomal recessive nonsyndromic hearing loss 3. Last evaluated: 2018-01-12. Review status: criteria provided, single submitter. Criteria: ICSL Variant Classification Criteria 13 December 2019. Collection method: clinical testing. Allele origin: germline.

Laboratory for Molecular Medicine, Mass General Brigham Personalized Medicine
Classification: Uncertain significance. Last evaluated: 2014-12-15. Review status: criteria provided, single submitter. Criteria: LMM Criteria. Collection method: clinical testing. Allele origin: germline. Observed: 1 variant allele.
Comment: The p.Ala3394Val variant in MYO15A has not been previously reported in individua ls with hearing loss, but has been identified in 0.05% (35/64,726) of European c hromosomes by the Exome Aggregation Consortium (dbSNP rs200249886). Although this variant has been seen in the general populatio n, its frequency is not high enough to rule out a pathogenic role. Computational prediction tools and conservation analysis suggest that this variant may impact the protein, though this information is not predictive enough to determine path ogenicity. In summary, the clinical significance of the p.Ala3394Val variant is uncertain.

Literature cited by the submitters: PubMed 26969326 (cited by Women's Health and Genetics/Laboratory Corporation of America, LabCorp and Department of Otolaryngology – Head & Neck Surgery, Cochlear Implant Center).